The following is an entry in ClinVar:

NM_007327.4(GRIN1):c.962T>G (p.Phe321Cys)

Gene: GRIN1 (glutamate ionotropic receptor NMDA type subunit 1; plus strand). Cytogenetic location: 9q34.3.
Variant type: single nucleotide variant.
Coding change: c.962T>G on transcript NM_007327.4 (MANE Select); coding-DNA position 962, T replaced by G.
Protein change: p.Phe321Cys; replaces phenylalanine 321 with cysteine.
Molecular consequence: missense variant.
Genome position (GRCh38, 1-based): chr9:137,157,031, T>G. VCF-style: chr9-137157031-T-G. GRCh37 (hg19) VCF-style: chr9-140051483-T-G.
Other names: c.962T>G, p.Phe321Cys (NM_000832.7, NM_021569.4); c.1025T>G, p.Phe342Cys (NM_001185090.2, NM_001185091.2); short protein forms F342C, F321C.
Identifiers: ClinVar variation 1810652 (VCV001810652.1), dbSNP rs2538598027, ClinGen allele CA375715260.

ClinVar aggregate classification (germline): Uncertain significance (1 of 4 stars; one submission).

Submission:

GeneDx
Classification: Uncertain significance. Last evaluated: 2022-07-05. Review status: criteria provided, single submitter. Criteria: GeneDx Variant Classification Process June 2021. Collection method: clinical testing. Allele origin: germline. Affected: yes.
Comment: Not observed at significant frequency in large population cohorts (gnomAD); In silico analysis supports that this missense variant has a deleterious effect on protein structure/function; Has not been previously published as pathogenic or benign to our knowledge